The following is an entry in ClinVar:

ClinVar aggregate classification (germline): Uncertain significance (1 of 4 stars; one submission).

gnomAD v4.1: 1 of 918,414 alleles (0.00011%); no homozygotes.

Submission:

Labcorp Genetics (formerly Invitae), Labcorp
Classification: Uncertain significance. Last evaluated: 2026-01-05. Review status: criteria provided, single submitter. Criteria: Invitae Variant Classification Sherloc (09022015). Collection method: clinical testing. Allele origin: germline.
Comment: This sequence change replaces methionine, which is neutral and non-polar, with isoleucine, which is neutral and non-polar, at codon 299 of the TUBB2A protein (p.Met299Ile). This variant is not present in population databases (gnomAD no frequency). This variant has not been reported in the literature in individuals affected with TUBB2A-related conditions. ClinVar contains an entry for this variant (Variation ID: 3650411). Invitae Evidence Modeling of protein sequence and biophysical properties (such as structural, functional, and spatial information, amino acid conservation, physicochemical variation, residue mobility, and thermodynamic stability) indicates that this missense variant is not expected to disrupt TUBB2A protein function with a negative predictive value of 80%. In summary, the available evidence is currently insufficient to determine the role of this variant in disease. Therefore, it has been classified as a Variant of Uncertain Significance.

NM_001069.3(TUBB2A):c.897G>A (p.Met299Ile)

Gene: TUBB2A (tubulin beta 2A class IIa; minus strand). Cytogenetic location: 6p25.2.
Variant type: single nucleotide variant.
Coding change: c.897G>A on transcript NM_001069.3 (MANE Select); coding-DNA position 897, G replaced by A.
Protein change: p.Met299Ile; replaces methionine 299 with isoleucine.
Molecular consequence: missense variant.
Genome position (GRCh38, 1-based): chr6:3,154,304, C>T on the plus strand (G>A on the coding strand, the complement: TUBB2A is on the minus strand). VCF-style: chr6-3154304-C-T. GRCh37 (hg19) VCF-style: chr6-3154538-C-T.
Other names: c.642G>A, p.Met214Ile (NM_001310315.2); short protein forms M214I, M299I.
Identifiers: ClinVar variation 3650411 (VCV003650411.2).